The following is an entry in ClinVar:

NC_000003.12:g.129058767_129062425del

Gene: GP9 (glycoprotein IX platelet; plus strand). Cytogenetic location: 3q21.3.
Variant type: Deletion.
Genome position: GRCh38: chr3:129,058,767-129,062,425. GRCh37 (hg19): chr3:128,777,610-128,781,268.
Identifiers: ClinVar variation 1333009 (VCV001333009.3), ClinGen allele CA2573052078.

ClinVar aggregate classification (germline): Pathogenic (1 of 4 stars; one submission).

Conditions:
Bernard Soulier syndrome (BSS). Also called: VON WILLEBRAND FACTOR RECEPTOR DEFICIENCY; GLYCOPROTEIN Ib, PLATELET, DEFICIENCY OF; BLEEDING DISORDER, PLATELET-TYPE, 1; Platelet Glycoprotein 1b, Deficiency of; Giant platelet syndrome; Hemorrhagiparous thrombocytic dystrophy. Identifiers: Orphanet 274, MedGen C0005129, MeSH D001606, MONDO:0009276, OMIM 231200.

Submission:

ISTH-SSC Genomics in Thrombosis and Hemostasis, KU Leuven, Center for Molecular and Vascular Biology
Classification: Pathogenic for Platelet Glycoprotein 1b, Deficiency of. Review status: criteria provided, single submitter. Criteria: ACMG Guidelines, 2015. Collection method: research. Allele origin: unknown. Inheritance: Autosomal recessive inheritance. Affected: yes.
Comment: Gold Variant submitter: Dr Karyn Megy, NIHR Bioresource - Cambridge University, UK

Literature cited by the submitters: PubMed 34355501.